The following is an entry in ClinVar:

NM_206933.4(USH2A):c.2105T>A (p.Val702Glu)

Gene: USH2A (usherin; minus strand). Cytogenetic location: 1q41.
Variant type: single nucleotide variant.
Coding change: c.2105T>A on transcript NM_206933.4 (MANE Select); coding-DNA position 2105, T replaced by A.
Protein change: p.Val702Glu; replaces valine 702 with glutamic acid.
Molecular consequence: missense variant.
Genome position (GRCh38, 1-based): chr1:216,250,965, A>T on the plus strand (T>A on the coding strand, the complement: USH2A is on the minus strand). VCF-style: chr1-216250965-A-T. GRCh37 (hg19) VCF-style: chr1-216424307-A-T.
Other names: c.2105T>A, p.Val702Glu (NM_007123.6); short protein forms V702E.
Identifiers: ClinVar variation 3466590 (VCV003466590.2).

ClinVar aggregate classification (germline): Uncertain significance. Review status: criteria provided, multiple submitters, no conflicts (2 of 4 stars). 2 submissions from 2 submitters: Uncertain significance (2). Last evaluated 2024-12-03.

Conditions:
Inborn genetic diseases. Identifiers: MedGen C0950123, MeSH D030342.

gnomAD v4.1: 1 of 1,614,040 alleles (0.000062%); highest among the groups gnomAD compares: Admixed American, 0.0017%; no homozygotes.

Submissions (2):

Ambry Genetics
Classification: Uncertain significance for Inborn genetic diseases. Last evaluated: 2024-12-03. Review status: criteria provided, single submitter. Criteria: Ambry Variant Classification Scheme 2023. Collection method: clinical testing. Allele origin: germline.

GeneDx
Classification: Uncertain significance. Last evaluated: 2024-10-02. Review status: criteria provided, single submitter. Criteria: GeneDx Variant Classification Process June 2021. Collection method: clinical testing. Allele origin: germline. Affected: yes.
Comment: Not observed at significant frequency in large population cohorts (gnomAD); In silico analysis supports that this missense variant has a deleterious effect on protein structure/function; Has not been previously published as pathogenic or benign to our knowledge